The following is an entry in ClinVar:

ClinVar aggregate classification (germline): Likely benign (0 of 4 stars; one submission).

Conditions:
CYLD-related disorder. Also called: CYLD-related condition.

gnomAD v4.1: 8 of 1,613,956 alleles (0.0005%); highest among the groups gnomAD compares: Non-Finnish European, 0.00059%; no homozygotes.

Submission:

PreventionGenetics, part of Exact Sciences
Classification: Likely benign for CYLD-related condition. Last evaluated: 2024-03-12. Review status: no assertion criteria provided. Collection method: clinical testing. Allele origin: germline.
Comment: This variant is classified as likely benign based on ACMG/AMP sequence variant interpretation guidelines (Richards et al. 2015 PMID: 25741868, with internal and published modifications).

NM_001378743.1(CYLD):c.403C>T (p.Leu135=)

Gene: CYLD (CYLD lysine 63 deubiquitinase; plus strand). Cytogenetic location: 16q12.1.
Variant type: single nucleotide variant.
Coding change: c.403C>T on transcript NM_001378743.1 (MANE Select); coding-DNA position 403, C replaced by T.
Protein change: p.Leu135=; no amino-acid change (leucine 135 retained).
Molecular consequence: synonymous variant. On other transcripts: 5 prime UTR variant (2), non-coding transcript variant (1).
Genome position (GRCh38, 1-based): chr16:50,750,101, C>T. VCF-style: chr16-50750101-C-T. GRCh37 (hg19) VCF-style: chr16-50784012-C-T.
Other names: c.403C>T, p.Leu135= (NM_001042355.2, NM_001042412.3, NM_001378744.1 and 10 more transcripts); c.-260C>T (NM_001378754.1, NM_001378755.1).
Identifiers: ClinVar variation 3357504 (VCV003357504.1).